The following is an entry in ClinVar:

ClinVar aggregate classification (germline): Likely pathogenic (1 of 4 stars; one submission).

Conditions:
Charcot-Marie-Tooth disease type 4. Also called: Charcot-Marie-Tooth, Type 4; Charcot-Marie-Tooth disease, type IV. Identifiers: Orphanet 64749, MedGen C4082197, MONDO:0018995.

Submission:

Labcorp Genetics (formerly Invitae), Labcorp
Classification: Likely pathogenic for Charcot-Marie-Tooth disease type 4. Last evaluated: 2022-05-28. Review status: criteria provided, single submitter. Criteria: Invitae Variant Classification Sherloc (09022015). Collection method: clinical testing. Allele origin: germline.
Comment: Algorithms developed to predict the effect of sequence changes on RNA splicing suggest that this variant may disrupt the consensus splice site. This sequence change affects an acceptor splice site in intron 10 of the FIG4 gene. It is expected to disrupt RNA splicing. Variants that disrupt the donor or acceptor splice site typically lead to a loss of protein function (PMID: 16199547), and loss-of-function variants in FIG4 are known to be pathogenic (PMID: 23623387). This variant is not present in population databases (gnomAD no frequency). This variant has not been reported in the literature in individuals affected with FIG4-related conditions. In summary, the currently available evidence indicates that the variant is pathogenic, but additional data are needed to prove that conclusively. Therefore, this variant has been classified as Likely Pathogenic.

Literature cited by the submitters: PubMed 16199547; PubMed 23623387.

NM_014845.6(FIG4):c.1138-1G>A

Gene: FIG4 (FIG4 phosphoinositide 5-phosphatase; plus strand). Cytogenetic location: 6q21.
Variant type: single nucleotide variant.
Coding change: c.1138-1G>A on transcript NM_014845.6 (MANE Select); the canonical splice acceptor site of the intron before coding-DNA position 1138, G replaced by A.
Molecular consequence: splice acceptor variant.
Genome position (GRCh38, 1-based): chr6:109,760,249, G>A. VCF-style: chr6-109760249-G-A. GRCh37 (hg19) VCF-style: chr6-110081452-G-A.
Identifiers: ClinVar variation 2123495 (VCV002123495.4), dbSNP rs2486171406, ClinGen allele CA365224946.